The following is an entry in ClinVar:

ClinVar aggregate classification (germline): Pathogenic. Review status: criteria provided, multiple submitters, no conflicts (2 of 4 stars). 2 submissions from 2 submitters: Pathogenic (2). Last evaluated 2025-05-22.

Conditions:
Glycogen storage disease, type II (IOPD). Also called: POMPE DISEASE, INFANTILE-ONSET; GLYCOGEN STORAGE DISEASE II, INFANTILE-ONSET; ACID ALPHA-GLUCOSIDASE DEFICIENCY, INFANTILE-ONSET; GAA DEFICIENCY, INFANTILE-ONSET; ACID MALTASE DEFICIENCY, INFANTILE-ONSET; Glucosidase acid-1,4-alpha deficiency. Identifiers: Orphanet 365, MedGen C0017921, MONDO:0009290, OMIM 232300.

Submissions (2):

Greenwood Genetic Center Diagnostic Laboratories, Greenwood Genetic Center
Classification: Pathogenic for Glycogen storage disease, type II. Last evaluated: 2025-05-22. Review status: criteria provided, single submitter. Criteria: ACMG Guidelines, 2015. Collection method: clinical testing. Allele origin: germline. Affected: yes.
Comment: PS3, PM2, PM3_Very Strong

Women's Health and Genetics/Laboratory Corporation of America, LabCorp
Classification: Pathogenic for Glycogen storage disease, type II. Last evaluated: 2022-12-05. Review status: criteria provided, single submitter. Criteria: LabCorp Variant Classification Summary - May 2015. Collection method: clinical testing. Allele origin: germline.
Comment: Variant summary: GAA c.[752C>T;761C>T] (p.[Ser251Leu;Ser254Leu]) variant is a complex allele and involves the alteration of multiple nucleotides. The variant allele was found at a frequency of 0.00021 in 251124 control chromosomes (gnomAD). This frequency is not higher than expected for a pathogenic variant in GAA causing Glycogen Storage Disease, Type 2 (Pompe Disease) (0.00021 vs 0.0042), allowing no conclusion about variant significance. c.[752C>T;761C>T] has been reported in the literature in multiple individuals affected with Glycogen Storage Disease, Type 2 (Pompe Disease) in homozygous and compound heterozygous state (e.g. Labrousse_2010, Chien_2011, Liao_2014, Fukuhara_2018). These data indicate that the variant is likely to be associated with disease. Multiple publications report that this complex allele results in enzyme activity of <10% in homozygous patients (Labrousse_2010, Chien_2011, Fukuhara_2018). ClinVar submitters cite the two variants separately with conflicting assessments (Variation IDs: 325781, 325782). At least one clinical diagnostic laboratory classified this complex allele as pathogenic (SCV000626639.5). Based on the evidence outlined above, the variant was classified as pathogenic.

Literature cited by the submitters: PubMed 29124014 (cited by Women's Health and Genetics/Laboratory Corporation of America, LabCorp); PubMed 20080426 (cited by Women's Health and Genetics/Laboratory Corporation of America, LabCorp); PubMed 31980526 (cited by Women's Health and Genetics/Laboratory Corporation of America, LabCorp); PubMed 33073007 (cited by Women's Health and Genetics/Laboratory Corporation of America, LabCorp); PubMed 31637888 (cited by Women's Health and Genetics/Laboratory Corporation of America, LabCorp); PubMed 24513544 (cited by Women's Health and Genetics/Laboratory Corporation of America, LabCorp); PubMed 21232767 (cited by Women's Health and Genetics/Laboratory Corporation of America, LabCorp); PubMed 35314707 (cited by Women's Health and Genetics/Laboratory Corporation of America, LabCorp); PubMed 35419325 (cited by Women's Health and Genetics/Laboratory Corporation of America, LabCorp).

NM_000152.5(GAA):c.[752C>T;761C>T]

Variant type: Haplotype.
Identifiers: ClinVar variation 1321358 (VCV001321358.9).